The following is an entry in ClinVar:

ClinVar aggregate classification (germline): Uncertain significance. Review status: criteria provided, multiple submitters, no conflicts (2 of 4 stars). 2 submissions from 2 submitters: Uncertain significance (2). Last evaluated 2025-10-07.

gnomAD v4.1: 22 of 1,614,022 alleles (0.0014%); highest among the groups gnomAD compares: African/African-American, 0.0027%; no homozygotes.

Submissions (2):

Ambry Genetics
Classification: Uncertain significance. Last evaluated: 2025-10-07. Review status: criteria provided, single submitter. Criteria: Ambry Variant Classification Scheme 2023. Collection method: clinical testing. Allele origin: germline.

Labcorp Genetics (formerly Invitae), Labcorp
Classification: Uncertain significance. Last evaluated: 2025-09-24. Review status: criteria provided, single submitter. Criteria: Invitae Variant Classification Sherloc (09022015). Collection method: clinical testing. Allele origin: germline.
Comment: This sequence change replaces valine, which is neutral and non-polar, with leucine, which is neutral and non-polar, at codon 3168 of the FAT2 protein (p.Val3168Leu). This variant is present in population databases (rs754083295, gnomAD 0.007%). This variant has not been reported in the literature in individuals affected with FAT2-related conditions. An algorithm developed to predict the effect of missense changes on protein structure and function (PolyPhen-2) suggests that this variant is likely to be disruptive. In summary, the available evidence is currently insufficient to determine the role of this variant in disease. Therefore, it has been classified as a Variant of Uncertain Significance.

NM_001447.3(FAT2):c.9502G>T (p.Val3168Leu)

Genes: FAT2 (FAT atypical cadherin 2; minus strand), SLC36A1 (solute carrier family 36 member 1; plus strand). Cytogenetic location: 5q33.1.
Variant type: single nucleotide variant.
Coding change: c.9502G>T on transcript NM_001447.3 (MANE Select); coding-DNA position 9502, G replaced by T.
Protein change: p.Val3168Leu; replaces valine 3168 with leucine.
Molecular consequence: missense variant.
Genome position (GRCh38, 1-based): chr5:151,531,896, C>A on the plus strand (G>T on the coding strand, the complement: FAT2 is on the minus strand). VCF-style: chr5-151531896-C-A. GRCh37 (hg19) VCF-style: chr5-150911457-C-A.
Other names: short protein forms V3168L.
Identifiers: ClinVar variation 4667120 (VCV004667120.2).